The following is an entry in ClinVar:

NM_001873.4(CPE):c.1200C>T (p.His400=)

Gene: CPE (carboxypeptidase E; plus strand). Cytogenetic location: 4q32.3.
Variant type: single nucleotide variant.
Coding change: c.1200C>T on transcript NM_001873.4 (MANE Select); coding-DNA position 1200, C replaced by T.
Protein change: p.His400=; no amino-acid change (histidine 400 retained).
Molecular consequence: synonymous variant.
Genome position (GRCh38, 1-based): chr4:165,493,257, C>T. VCF-style: chr4-165493257-C-T. GRCh37 (hg19) VCF-style: chr4-166414409-C-T.
Identifiers: ClinVar variation 3354835 (VCV003354835.1).

ClinVar aggregate classification (germline): Likely benign (0 of 4 stars; one submission).

Conditions:
CPE-related disorder. Also called: CPE-related condition.

Submission:

PreventionGenetics, part of Exact Sciences
Classification: Likely benign for CPE-related condition. Last evaluated: 2022-01-26. Review status: no assertion criteria provided. Collection method: clinical testing. Allele origin: germline.
Comment: This variant is classified as likely benign based on ACMG/AMP sequence variant interpretation guidelines (Richards et al. 2015 PMID: 25741868, with internal and published modifications).